The following is an entry in ClinVar:

ClinVar aggregate classification (germline): Uncertain significance. Review status: criteria provided, multiple submitters, no conflicts (2 of 4 stars). 3 submissions from 3 submitters: Uncertain significance (3). Last evaluated 2024-05-02.

Conditions:
HNSHA due to aldolase A deficiency (GSD12). Also called: Glycogen storage disease due to aldolase A deficiency; GLYCOGEN STORAGE DISEASE XII; GSD XII; RED CELL ALDOLASE DEFICIENCY. Identifiers: Orphanet 57, MedGen C0272066, MONDO:0012747, OMIM 611881.
Inborn genetic diseases. Identifiers: MedGen C0950123, MeSH D030342.

Allele frequency attached by ClinVar (database versions not stated): gnomAD 0.00001; TOPMed 0.00001; gnomAD exomes 0.00002; ExAC 0.00003.
gnomAD v4.1: 29 of 1,613,592 alleles (0.0018%); highest among the groups gnomAD compares: East Asian, 0.0022%; no homozygotes.

Submissions (3):

Ambry Genetics
Classification: Uncertain significance for Inborn genetic diseases. Last evaluated: 2024-05-02. Review status: criteria provided, single submitter. Criteria: Ambry Variant Classification Scheme 2023. Collection method: clinical testing. Allele origin: germline.

Revvity Omics, Revvity
Classification: Uncertain significance for HNSHA due to aldolase A deficiency. Last evaluated: 2022-11-28. Review status: criteria provided, single submitter. Criteria: ACMG Guidelines, 2015. Collection method: clinical testing. Allele origin: germline.

Labcorp Genetics (formerly Invitae), Labcorp
Classification: Uncertain significance for HNSHA due to aldolase A deficiency. Last evaluated: 2021-09-01. Review status: criteria provided, single submitter. Criteria: Invitae Variant Classification Sherloc (09022015). Collection method: clinical testing. Allele origin: germline.
Comment: This sequence change replaces arginine with cysteine at codon 259 of the ALDOA protein (p.Arg259Cys). The arginine residue is highly conserved and there is a large physicochemical difference between arginine and cysteine. This variant is present in population databases (rs779421883, ExAC 0.01%). This variant has not been reported in the literature in individuals affected with ALDOA-related conditions. Algorithms developed to predict the effect of missense changes on protein structure and function are either unavailable or do not agree on the potential impact of this missense change (SIFT: "Deleterious"; PolyPhen-2: "Benign"; Align-GVGD: "Class C25"). In summary, the available evidence is currently insufficient to determine the role of this variant in disease. Therefore, it has been classified as a Variant of Uncertain Significance.

NM_001243177.4(ALDOA):c.937C>T (p.Arg313Cys)

Genes: ALDOA (aldolase, fructose-bisphosphate A; plus strand), LOC112694756 (uncharaterized LOC112694756; plus strand). Cytogenetic location: 16p11.2.
Variant type: single nucleotide variant.
Coding change: c.937C>T on transcript NM_001243177.4 (MANE Select); coding-DNA position 937, C replaced by T.
Protein change: p.Arg313Cys; replaces arginine 313 with cysteine.
Molecular consequence: missense variant. On other transcripts: 3 prime UTR variant (3).
Genome position (GRCh38, 1-based): chr16:30,069,649, C>T. VCF-style: chr16-30069649-C-T. GRCh37 (hg19) VCF-style: chr16-30080970-C-T.
Other names: NM_000034.3:c.775C>T; c.*1284C>T (NM_001365304.2, NM_001365305.2, NM_001365307.2); c.775C>T, p.Arg259Cys (NM_001127617.2, NM_184041.5, NM_184043.2); short protein forms R259C, R313C.
Identifiers: ClinVar variation 1416209 (VCV001416209.8), dbSNP rs779421883, ClinGen allele CA8001124.
Genomic context (GRCh38, chr16:30,069,649, plus strand): 5'-GCTTGCACTCAGAAGTTTTCTCATGAGGAGATTGCCATGGCGACCGTCACAGCGCTGCGC[C>T]GCACAGTGCCCCCCGCTGTCACTGGTGAGGCCCACACTCATCTTGATCTCTATGCAGTAG-3'
Protein context (NP_001230106.1, residues 303-323): IAMATVTALR[Arg313Cys]TVPPAVTGIT